The following is an entry in ClinVar:

ClinVar aggregate classification (germline): Uncertain significance (1 of 4 stars; one submission).

Submission:

Ambry Genetics
Classification: Uncertain significance. Last evaluated: 2025-05-31. Review status: criteria provided, single submitter. Criteria: Ambry Variant Classification Scheme 2023. Collection method: clinical testing. Allele origin: germline.
Comment: The p.G274S variant (also known as c.820G>A), located in coding exon 5 of the ATRIP gene, results from a G to A substitution at nucleotide position 820. The glycine at codon 274 is replaced by serine, an amino acid with similar properties. This amino acid position is conserved. In addition, this alteration is predicted to be tolerated by in silico analysis. Based on the available evidence, the clinical significance of this variant remains unclear.

NM_130384.3(ATRIP):c.820G>A (p.Gly274Ser)

Genes: ATRIP (ATR interacting protein; plus strand), ATRIP-TREX1 (ATRIP-TREX1 readthrough; plus strand). Cytogenetic location: 3p21.31.
Variant type: single nucleotide variant.
Coding change: c.820G>A on transcript NM_130384.3 (MANE Select); coding-DNA position 820, G replaced by A.
Protein change: p.Gly274Ser; replaces glycine 274 with serine.
Molecular consequence: missense variant. On other transcripts: non-coding transcript variant (1).
Genome position (GRCh38, 1-based): chr3:48,457,407, G>A. VCF-style: chr3-48457407-G-A. GRCh37 (hg19) VCF-style: chr3-48498807-G-A.
Other names: c.439G>A, p.Gly147Ser (NM_001271022.2); c.541G>A, p.Gly181Ser (NM_001271023.2); c.820G>A, p.Gly274Ser (NM_032166.4); short protein forms G147S, G181S, G274S.
Identifiers: ClinVar variation 3976931 (VCV003976931.1).
Genomic context (GRCh38, chr3:48,457,407, plus strand): 5'-AGTGCTAACATGTCCCTTCCCCACCCCTGCCAGACGGAGTCAGGATACAAGCCTCTGGTG[G>A]GCAGAGAGGGTAAGTCCATTAGTCATCTATTGATGTATAACAAGCTACCCAAATATGTGG-3'
Protein context (NP_569055.1, residues 264-284): QTESGYKPLV[Gly274Ser]REDSKPHSLR